The following is an entry in ClinVar:

ClinVar aggregate classification (germline): Benign/Likely benign. Review status: criteria provided, multiple submitters, no conflicts (2 of 4 stars). 2 submissions from 2 submitters: Benign (1); Likely benign (1). Last evaluated 2024-10-04.

Conditions:
Familial cancer of breast. Also called: hereditary breast carcinoma; BREAST CANCER, FAMILIAL; Hereditary breast cancer. Identifiers: Orphanet 227535, MedGen C0346153, MONDO:0016419, OMIM 114480. Disease mechanism: loss of function.

Submissions (2):

Myriad Genetics, Inc.
Classification: Benign for Familial cancer of breast. Last evaluated: 2024-10-04. Review status: criteria provided, single submitter. Criteria: Myriad Autosomal Dominant, Autosomal Recessive and X-Linked Classification Criteria (2023). Collection method: clinical testing. Allele origin: unknown.
Comment: This variant is considered benign. This variant is a silent/synonymous amino acid change and it is not expected to impact splicing.

Labcorp Genetics (formerly Invitae), Labcorp
Classification: Likely benign for Familial cancer of breast. Last evaluated: 2023-03-03. Review status: criteria provided, single submitter. Criteria: Invitae Variant Classification Sherloc (09022015). Collection method: clinical testing. Allele origin: germline.

NM_007194.4(CHEK2):c.951A>G (p.Lys317=)

Gene: CHEK2 (checkpoint kinase 2; minus strand). Cytogenetic location: 22q12.1.
Variant type: single nucleotide variant.
Coding change: c.951A>G on transcript NM_007194.4 (MANE Select); coding-DNA position 951, A replaced by G.
Protein change: p.Lys317=; no amino-acid change (lysine 317 retained).
Molecular consequence: synonymous variant.
Genome position (GRCh38, 1-based): chr22:28,699,895, T>C on the plus strand (A>G on the coding strand, the complement: CHEK2 is on the minus strand). VCF-style: chr22-28699895-T-C. GRCh37 (hg19) VCF-style: chr22-29095883-T-C.
Other names: c.1080A>G, p.Lys360= (NM_001005735.3); c.288A>G, p.Lys96= (NM_001257387.3); c.750A>G, p.Lys250= (NM_001349956.3); c.951A>G, p.Lys317= (NM_145862.3).
Identifiers: ClinVar variation 2842357 (VCV002842357.4), dbSNP rs2145843565, ClinGen allele CA513945040.
Genomic context (GRCh38, chr22:28,699,895, plus strand): 5'-TACCTGCACAGCCAAGAGCATCTGGTAAAAATAGAGCTTGCAGGTAGCTTCTTTCAGGCG[T>C]TTATTCCCCACCACTTTGTCAAACAGCTCTCCCCCTTCCATCCTGAAACACAAAGGCAAG-3'
Protein context (NP_009125.1, residues 307-327): GELFDKVVGN[Lys317=]RLKEATCKLY